The following is an entry in ClinVar:

ClinVar aggregate classification (germline): Uncertain significance (1 of 4 stars; one submission).

Submission:

Labcorp Genetics (formerly Invitae), Labcorp
Classification: Uncertain significance. Last evaluated: 2023-01-12. Review status: criteria provided, single submitter. Criteria: Invitae Variant Classification Sherloc (09022015). Collection method: clinical testing. Allele origin: germline.
Comment: In summary, the available evidence is currently insufficient to determine the role of this variant in disease. Therefore, it has been classified as a Variant of Uncertain Significance. Advanced modeling of protein sequence and biophysical properties (such as structural, functional, and spatial information, amino acid conservation, physicochemical variation, residue mobility, and thermodynamic stability) performed at Invitae indicates that this missense variant is expected to disrupt ETV6 protein function. This variant has not been reported in the literature in individuals affected with ETV6-related conditions. This variant is not present in population databases (gnomAD no frequency). This sequence change replaces arginine, which is basic and polar, with glycine, which is neutral and non-polar, at codon 359 of the ETV6 protein (p.Arg359Gly).

NM_001987.5(ETV6):c.1075C>G (p.Arg359Gly)

Genes: ETV6 (ETS variant transcription factor 6; plus strand), LOC126861452 (CDK7 strongly-dependent group 2 enhancer GRCh37_chr12:12037195-12038394; plus strand). Cytogenetic location: 12p13.2.
Variant type: single nucleotide variant.
Coding change: c.1075C>G on transcript NM_001987.5 (MANE Select); coding-DNA position 1075, C replaced by G.
Protein change: p.Arg359Gly; replaces arginine 359 with glycine.
Molecular consequence: missense variant.
Genome position (GRCh38, 1-based): chr12:11,884,510, C>G. VCF-style: chr12-11884510-C-G. GRCh37 (hg19) VCF-style: chr12-12037444-C-G.
Other names: c.1072C>G, p.Arg358Gly (NM_001413913.1); c.1048C>G, p.Arg350Gly (NM_001413914.1); c.811C>G, p.Arg271Gly (NM_001413915.1); short protein forms R350G, R271G, R359G, R358G.
Identifiers: ClinVar variation 2092850 (VCV002092850.4), dbSNP rs141938078, ClinGen allele CA384044609.